The following is an entry in ClinVar:

ClinVar aggregate classification (germline): Likely benign (1 of 4 stars; one submission).

Submission:

CeGaT Center for Human Genetics Tuebingen
Classification: Likely benign. Last evaluated: 2024-05-01. Review status: criteria provided, single submitter. Criteria: CeGaT Center For Human Genetics Tuebingen Variant Classification Criteria Version 2. Collection method: clinical testing. Allele origin: germline. Affected: yes. Observed: 1 variant allele.
Comment: COQ8B: BP4, BP7

NM_024876.4(COQ8B):c.990C>T (p.Val330=)

Gene: COQ8B (coenzyme Q8B; minus strand). Cytogenetic location: 19q13.2.
Variant type: single nucleotide variant.
Coding change: c.990C>T on transcript NM_024876.4 (MANE Select); coding-DNA position 990, C replaced by T.
Protein change: p.Val330=; no amino-acid change (valine 330 retained).
Molecular consequence: synonymous variant.
Genome position (GRCh38, 1-based): chr19:40,700,355, G>A on the plus strand (C>T on the coding strand, the complement: COQ8B is on the minus strand). VCF-style: chr19-40700355-G-A. GRCh37 (hg19) VCF-style: chr19-41206260-G-A.
Other names: c.867C>T, p.Val289= (NM_001142555.3).
Identifiers: ClinVar variation 3239349 (VCV003239349.19), dbSNP rs767633318.